The following is an entry in ClinVar:

NM_001927.4(DES):c.845A>G (p.Glu282Gly)

Gene: DES (desmin; plus strand). Cytogenetic location: 2q35.
Variant type: single nucleotide variant.
Coding change: c.845A>G on transcript NM_001927.4 (MANE Select); coding-DNA position 845, A replaced by G.
Protein change: p.Glu282Gly; replaces glutamic acid 282 with glycine.
Molecular consequence: missense variant. On other transcripts: intron variant (1).
Genome position (GRCh38, 1-based): chr2:219,420,604, A>G. VCF-style: chr2-219420604-A-G. GRCh37 (hg19) VCF-style: chr2-220285326-A-G.
Other names: c.842A>G, p.Glu281Gly (NM_001382708.1); c.845A>G, p.Glu282Gly (NM_001382710.1, NM_001382711.1, NM_001382712.1); c.575A>G, p.Glu192Gly (NM_001382713.1); c.735+258A>G (NM_001382709.1); short protein forms E281G, E192G, E282G.
Identifiers: ClinVar variation 2106428 (VCV002106428.6), dbSNP rs2545252439, ClinGen allele CA350691478.

ClinVar aggregate classification (germline): Uncertain significance. Review status: criteria provided, multiple submitters, no conflicts (2 of 4 stars). 2 submissions from 2 submitters: Uncertain significance (2). Last evaluated 2025-11-22.

Conditions:
Cardiovascular phenotype. Identifiers: MedGen CN230736.
Desmin-related myofibrillar myopathy (MFM1). Also called: Myofibrillar myopathy 1; Desminopathy; MYOFIBRILLAR MYOPATHY WITH ARRHYTHMOGENIC RIGHT VENTRICULAR CARDIOMYOPATHY; DESMIN-RELATED MYOPATHY WITH ARRHYTHMOGENIC RIGHT VENTRICULAR CARDIOMYOPATHY; Desmin related myopathy (former name); Desmin storage myopathy (former name). Identifiers: Orphanet 363543, Orphanet 98909, MedGen C1832370, MONDO:0011076, OMIM 601419.

Submissions (2):

Labcorp Genetics (formerly Invitae), Labcorp
Classification: Uncertain significance for Desmin-related myofibrillar myopathy. Last evaluated: 2025-11-22. Review status: criteria provided, single submitter. Criteria: Invitae Variant Classification Sherloc (09022015). Collection method: clinical testing. Allele origin: germline.
Comment: This sequence change replaces glutamic acid, which is acidic and polar, with glycine, which is neutral and non-polar, at codon 282 of the DES protein (p.Glu282Gly). This variant is not present in population databases (gnomAD no frequency). This variant has not been reported in the literature in individuals affected with DES-related conditions. ClinVar contains an entry for this variant (Variation ID: 2106428). Invitae Evidence Modeling of protein sequence and biophysical properties (such as structural, functional, and spatial information, amino acid conservation, physicochemical variation, residue mobility, and thermodynamic stability) indicates that this missense variant is expected to disrupt DES protein function with a positive predictive value of 95%. In summary, the available evidence is currently insufficient to determine the role of this variant in disease. Therefore, it has been classified as a Variant of Uncertain Significance.

Ambry Genetics
Classification: Uncertain significance for Cardiovascular phenotype. Last evaluated: 2023-06-07. Review status: criteria provided, single submitter. Criteria: Ambry Variant Classification Scheme 2023. Collection method: clinical testing. Allele origin: germline.
Comment: The p.E282G variant (also known as c.845A>G), located in coding exon 4 of the DES gene, results from an A to G substitution at nucleotide position 845. The glutamic acid at codon 282 is replaced by glycine, an amino acid with similar properties. This variant was detected in a cardiomyopathy genetic testing cohort; however, clinical details were limited, and additional cardiac variants were detected in some cases (van Lint FHM et al. Neth Heart J, 2019 Jun;27:304-309). This amino acid position is highly conserved in available vertebrate species. In addition, this alteration is predicted to be deleterious by in silico analysis. Since supporting evidence is limited at this time, the clinical significance of this alteration remains unclear.

Literature cited by the submitters: PubMed 30847666 (cited by Ambry Genetics).